The following is an entry in ClinVar:

NM_001142800.2(EYS):c.7724-2A>G

Gene: EYS (EGF-like photoreceptor maintenance factor; minus strand). Cytogenetic location: 6q12.
Variant type: single nucleotide variant.
Coding change: c.7724-2A>G on transcript NM_001142800.2 (MANE Select); the canonical splice acceptor site of the intron before coding-DNA position 7724, A replaced by G.
Molecular consequence: splice acceptor variant.
Genome position (GRCh38, 1-based): chr6:63,778,182, T>C on the plus strand (A>G on the coding strand, the complement: EYS is on the minus strand). VCF-style: chr6-63778182-T-C. GRCh37 (hg19) VCF-style: chr6-64488075-T-C.
Other names: c.7724-2A>G (NM_001292009.2).
Identifiers: ClinVar variation 938649 (VCV000938649.8), dbSNP rs1770114606, ClinGen allele CA364390855.

ClinVar aggregate classification (germline): Likely pathogenic (1 of 4 stars; one submission).

Submission:

Labcorp Genetics (formerly Invitae), Labcorp
Classification: Likely pathogenic. Last evaluated: 2022-08-23. Review status: criteria provided, single submitter. Criteria: Invitae Variant Classification Sherloc (09022015). Collection method: clinical testing. Allele origin: germline.
Comment: In summary, the currently available evidence indicates that the variant is pathogenic, but additional data are needed to prove that conclusively. Therefore, this variant has been classified as Likely Pathogenic. Algorithms developed to predict the effect of sequence changes on RNA splicing suggest that this variant may disrupt the consensus splice site. ClinVar contains an entry for this variant (Variation ID: 938649). This variant has not been reported in the literature in individuals affected with EYS-related conditions. This variant is not present in population databases (gnomAD no frequency). This sequence change affects an acceptor splice site in intron 39 of the EYS gene. It is expected to disrupt RNA splicing. Variants that disrupt the donor or acceptor splice site typically lead to a loss of protein function (PMID: 16199547), and loss-of-function variants in EYS are known to be pathogenic (PMID: 18836446, 20333770).

Literature cited by the submitters: PubMed 16199547; PubMed 18836446; PubMed 20333770.